The following is an entry in ClinVar:

NM_032242.4(PLXNA1):c.4773+7C>T

Gene: PLXNA1 (plexin A1; plus strand). Cytogenetic location: 3q21.3.
Variant type: single nucleotide variant.
Coding change: c.4773+7C>T on transcript NM_032242.4 (MANE Select); 7 bases into the intron after coding-DNA position 4773, C replaced by T.
Molecular consequence: intron variant.
Genome position (GRCh38, 1-based): chr3:127,029,103, C>T. VCF-style: chr3-127029103-C-T. GRCh37 (hg19) VCF-style: chr3-126747946-C-T.
Identifiers: ClinVar variation 3040626 (VCV003040626.2), dbSNP rs372746559, ClinGen allele CA2594481.

ClinVar aggregate classification (germline): Likely benign (0 of 4 stars; one submission).

Conditions:
PLXNA1-related disorder. Also called: PLXNA1-related condition.

Allele frequency attached by ClinVar (database versions not stated): gnomAD exomes 0.00006; ESP Exome Variant Server 0.00023; ExAC 0.00025; gnomAD 0.00027; 1000 Genomes Project 30x 0.00031; TOPMed 0.00032; 1000 Genomes Project 0.00040.
gnomAD v4.1: 156 of 1,610,904 alleles (0.0097%); highest among the groups gnomAD compares: East Asian, 0.19%; no homozygotes.

Submission:

PreventionGenetics, part of Exact Sciences
Classification: Likely benign for PLXNA1-related condition. Last evaluated: 2019-04-01. Review status: no assertion criteria provided. Collection method: clinical testing. Allele origin: germline.
Comment: This variant is classified as likely benign based on ACMG/AMP sequence variant interpretation guidelines (Richards et al. 2015 PMID: 25741868, with internal and published modifications).